The following is an entry in ClinVar:

NM_000211.5(ITGB2):c.1507T>C (p.Ser503Pro)

Gene: ITGB2 (integrin subunit beta 2; minus strand). Cytogenetic location: 21q22.3.
Variant type: single nucleotide variant.
Coding change: c.1507T>C on transcript NM_000211.5 (MANE Select); coding-DNA position 1507, T replaced by C.
Protein change: p.Ser503Pro; replaces serine 503 with proline.
Molecular consequence: missense variant.
Genome position (GRCh38, 1-based): chr21:44,890,128, A>G on the plus strand (T>C on the coding strand, the complement: ITGB2 is on the minus strand). VCF-style: chr21-44890128-A-G. GRCh37 (hg19) VCF-style: chr21-46310043-A-G.
Other names: c.1507T>C, p.Ser503Pro (NM_001127491.3); c.1300T>C, p.Ser434Pro (NM_001303238.2); short protein forms S503P, S434P.
Identifiers: ClinVar variation 2067172 (VCV002067172.4), dbSNP rs1568882038, ClinGen allele CA410484583.
Genomic context (GRCh38, chr21:44,890,128, plus strand): 5'-CGCTGGTGTGGCACAGGCACTGCCCGCAGACACAGTCCCCCAGCCCTGAGCAGATGATGG[A>G]GTTGTTGTCCTTCCGGCAGCTTCCTTCCAGCTCCTGGCTGCTCCGGCCCTGTGTCTGGCA-3'
Protein context (NP_000202.3, residues 493-513): LEGSCRKDNN[Ser503Pro]IICSGLGDCV

ClinVar aggregate classification (germline): Uncertain significance (1 of 4 stars; one submission).

Conditions:
Leukocyte adhesion deficiency 1 (LAD1). Also called: LAD 1; Lymphocyte function-associated antigen 1 immunodeficiency; LFA 1 immunodeficiency; LEUKOCYTE ADHESION DEFICIENCY, TYPE I. Identifiers: Orphanet 2968, Orphanet 99842, MedGen C0398738, MONDO:0007293, OMIM 116920.

gnomAD v4.1: 2 of 1,613,248 alleles (0.00012%); highest among the groups gnomAD compares: Admixed American, 0.0033%; no homozygotes.

Submission:

Labcorp Genetics (formerly Invitae), Labcorp
Classification: Uncertain significance for Leukocyte adhesion deficiency 1. Last evaluated: 2022-07-15. Review status: criteria provided, single submitter. Criteria: Invitae Variant Classification Sherloc (09022015). Collection method: clinical testing. Allele origin: germline.
Comment: This sequence change replaces serine, which is neutral and polar, with proline, which is neutral and non-polar, at codon 503 of the ITGB2 protein (p.Ser503Pro). This variant is present in population databases (no rsID available, gnomAD 0.003%). This variant has not been reported in the literature in individuals affected with ITGB2-related conditions. Algorithms developed to predict the effect of missense changes on protein structure and function (SIFT, PolyPhen-2, Align-GVGD) all suggest that this variant is likely to be disruptive. In summary, the available evidence is currently insufficient to determine the role of this variant in disease. Therefore, it has been classified as a Variant of Uncertain Significance.